The following is an entry in ClinVar:

ClinVar aggregate classification (germline): Uncertain significance (1 of 4 stars; one submission).

gnomAD v4.1: 3 of 1,613,374 alleles (0.00019%); highest among the groups gnomAD compares: South Asian, 0.0033%; no homozygotes.

Submission:

Labcorp Genetics (formerly Invitae), Labcorp
Classification: Uncertain significance. Last evaluated: 2025-08-24. Review status: criteria provided, single submitter. Criteria: Invitae Variant Classification Sherloc (09022015). Collection method: clinical testing. Allele origin: germline.
Comment: This sequence change replaces serine, which is neutral and polar, with arginine, which is basic and polar, at codon 613 of the GRHL2 protein (p.Ser613Arg). This variant is present in population databases (rs576408861, gnomAD 0.003%). This variant has not been reported in the literature in individuals affected with GRHL2-related conditions. Invitae Evidence Modeling of protein sequence and biophysical properties (such as structural, functional, and spatial information, amino acid conservation, physicochemical variation, residue mobility, and thermodynamic stability) indicates that this missense variant is not expected to disrupt GRHL2 protein function with a negative predictive value of 80%. In summary, the available evidence is currently insufficient to determine the role of this variant in disease. Therefore, it has been classified as a Variant of Uncertain Significance.

NM_024915.4(GRHL2):c.1839C>A (p.Ser613Arg)

Gene: GRHL2 (grainyhead like transcription factor 2; plus strand). Cytogenetic location: 8q22.3.
Variant type: single nucleotide variant.
Coding change: c.1839C>A on transcript NM_024915.4 (MANE Select); coding-DNA position 1839, C replaced by A.
Protein change: p.Ser613Arg; replaces serine 613 with arginine.
Molecular consequence: missense variant. On other transcripts: intron variant (1).
Genome position (GRCh38, 1-based): chr8:101,666,664, C>A. VCF-style: chr8-101666664-C-A. GRCh37 (hg19) VCF-style: chr8-102678892-C-A.
Other names: c.1791C>A, p.Ser597Arg (NM_001330593.2, NM_001440448.1); c.1763+2146C>A (NM_001440447.1); short protein forms S597R, S613R.
Identifiers: ClinVar variation 4808685 (VCV004808685.1).